The following is an entry in ClinVar:

NM_024675.4(PALB2):c.3353T>A (p.Phe1118Tyr)

Gene: PALB2 (partner and localizer of BRCA2; minus strand). Cytogenetic location: 16p12.2.
Variant type: single nucleotide variant.
Coding change: c.3353T>A on transcript NM_024675.4 (MANE Select); coding-DNA position 3353, T replaced by A.
Protein change: p.Phe1118Tyr; replaces phenylalanine 1118 with tyrosine.
Molecular consequence: missense variant.
Genome position (GRCh38, 1-based): chr16:23,603,667, A>T on the plus strand (T>A on the coding strand, the complement: PALB2 is on the minus strand). VCF-style: chr16-23603667-A-T. GRCh37 (hg19) VCF-style: chr16-23614988-A-T.
Other names: short protein forms F1118Y.
Identifiers: ClinVar variation 951112 (VCV000951112.10), dbSNP rs1966406795, ClinGen allele CA395138417.

ClinVar aggregate classification (germline): Uncertain significance (1 of 4 stars; one submission).

Conditions:
Familial cancer of breast. Also called: BREAST CANCER, FAMILIAL; Hereditary breast cancer; hereditary breast carcinoma. Identifiers: Orphanet 227535, MedGen C0346153, MONDO:0016419, OMIM 114480. Disease mechanism: loss of function.

Submission:

Labcorp Genetics (formerly Invitae), Labcorp
Classification: Uncertain significance for Familial cancer of breast. Last evaluated: 2019-06-16. Review status: criteria provided, single submitter. Criteria: Invitae Variant Classification Sherloc (09022015). Collection method: clinical testing. Allele origin: germline.
Comment: This sequence change replaces phenylalanine with tyrosine at codon 1118 of the PALB2 protein (p.Phe1118Tyr). The phenylalanine residue is moderately conserved and there is a small physicochemical difference between phenylalanine and tyrosine. This variant is not present in population databases (ExAC no frequency). This variant has not been reported in the literature in individuals with PALB2-related conditions. Algorithms developed to predict the effect of missense changes on protein structure and function are either unavailable or do not agree on the potential impact of this missense change (SIFT: "Tolerated"; PolyPhen-2: "Possibly Damaging"; Align-GVGD: "Class C0"). In summary, the available evidence is currently insufficient to determine the role of this variant in disease. Therefore, it has been classified as a Variant of Uncertain Significance.